The following is an entry in ClinVar:

ClinVar aggregate classification (germline): Uncertain significance (1 of 4 stars; one submission).

gnomAD v4.1: 495 of 1,611,304 alleles (0.031%); highest among the groups gnomAD compares: Non-Finnish European, 0.04%; 1 homozygote.

Submission:

CeGaT Center for Human Genetics Tuebingen
Classification: Uncertain significance. Last evaluated: 2025-01-01. Review status: criteria provided, single submitter. Criteria: CeGaT Center For Human Genetics Tuebingen Variant Classification Criteria Version 2. Collection method: clinical testing. Allele origin: germline. Affected: yes. Observed: 1 variant allele.
Comment: RFC1: PM2, BP4

NM_002913.5(RFC1):c.2538C>A (p.Gly846=)

Gene: RFC1 (replication factor C subunit 1; minus strand). Cytogenetic location: 4p14.
Variant type: single nucleotide variant.
Coding change: c.2538C>A on transcript NM_002913.5 (MANE Select); coding-DNA position 2538, C replaced by A.
Protein change: p.Gly846=; no amino-acid change (glycine 846 retained).
Molecular consequence: synonymous variant.
Genome position (GRCh38, 1-based): chr4:39,300,412, G>T on the plus strand (C>A on the coding strand, the complement: RFC1 is on the minus strand). VCF-style: chr4-39300412-G-T. GRCh37 (hg19) VCF-style: chr4-39302032-G-T.
Other names: c.2541C>A, p.Gly847= (NM_001204747.2); c.2460C>A, p.Gly820= (NM_001363495.2); c.2463C>A, p.Gly821= (NM_001363496.2).
Identifiers: ClinVar variation 3771283 (VCV003771283.13).
Genomic context (GRCh38, chr4:39,300,412, plus strand): 5'-AAGTGACATGTGAGCAGTCTCCTCTCCAGCTGCAAACACTTTCCGGGCAACATCAAATGG[G>T]CCCTGAAAAAAGAGAGGGACACACCTATTAGAATGGCCAAAATTCAAAACGGTAACATCA-3'
Protein context (NP_002904.3, residues 836-856): SHRAKKDIKM[Gly846=]PFDVARKVFA